The following is an entry in ClinVar:

ClinVar aggregate classification (germline): Likely benign. Review status: criteria provided, multiple submitters, no conflicts (2 of 4 stars). 2 submissions from 2 submitters: Likely benign (2). Last evaluated 2026-09-01.

Conditions:
Cardiovascular phenotype. Identifiers: MedGen CN230736.

gnomAD v4.1: 6 of 1,610,202 alleles (0.00037%); highest among the groups gnomAD compares: Admixed American, 0.01%; no homozygotes.

Submissions (2):

CeGaT Center for Human Genetics Tuebingen
Classification: Likely benign. Last evaluated: 2026-09-01. Review status: criteria provided, single submitter. Criteria: CeGaT Center For Human Genetics Tuebingen Variant Classification Criteria Version 2. Collection method: clinical testing. Allele origin: germline. Affected: yes. Observed: 1 variant allele.
Comment: TTN: BP4, BP7

Ambry Genetics
Classification: Likely benign for Cardiovascular phenotype. Last evaluated: 2024-09-14. Review status: criteria provided, single submitter. Criteria: Ambry Variant Classification Scheme 2023. Collection method: clinical testing. Allele origin: germline.

NM_001267550.2(TTN):c.46155C>T (p.Leu15385=)

Gene: TTN (titin; minus strand). Cytogenetic location: 2q31.2.
Variant type: single nucleotide variant.
Coding change: c.46155C>T on transcript NM_001267550.2 (MANE Select); coding-DNA position 46155, C replaced by T.
Protein change: p.Leu15385=; no amino-acid change (leucine 15385 retained).
Molecular consequence: synonymous variant.
Genome position (GRCh38, 1-based): chr2:178,620,366, G>A on the plus strand (C>T on the coding strand, the complement: TTN is on the minus strand). VCF-style: chr2-178620366-G-A. GRCh37 (hg19) VCF-style: chr2-179485093-G-A.
Other names: c.41232C>T, p.Leu13744= (NM_001256850.1); c.18960C>T, p.Leu6320= (NM_003319.4); c.38451C>T, p.Leu12817= (NM_133378.4); c.19335C>T, p.Leu6445= (NM_133432.3); c.19536C>T, p.Leu6512= (NM_133437.4).
Identifiers: ClinVar variation 3463783 (VCV003463783.2).
Genomic context (GRCh38, chr2:178,620,366, plus strand): 5'-GAACTCAGTGACTGTCTGATCTTCCAAGTGTTCCACAAATTCTGTCGGGGCTTCTATGAT[G>A]AGAAGCTCAGCAACAGATTTATCTTGTCCAGCAGTGACAATGTATTCACCTTCATCTGGG-3'
Protein context (NP_001254479.2, residues 15375-15395): AGQDKSVAEL[Leu15385=]IIEAPTEFVE